The following is an entry in ClinVar:

ClinVar aggregate classification (germline): Uncertain significance. Review status: criteria provided, multiple submitters, no conflicts (2 of 4 stars). 2 submissions from 2 submitters: Uncertain significance (2). Last evaluated 2024-07-14.

gnomAD v4.1: 4 of 1,613,342 alleles (0.00025%); highest among the groups gnomAD compares: African/African-American, 0.0027%; no homozygotes.

Submissions (2):

Ambry Genetics
Classification: Uncertain significance. Last evaluated: 2024-07-14. Review status: criteria provided, single submitter. Criteria: Ambry Variant Classification Scheme 2023. Collection method: clinical testing. Allele origin: germline.

Labcorp Genetics (formerly Invitae), Labcorp
Classification: Uncertain significance. Last evaluated: 2024-05-06. Review status: criteria provided, single submitter. Criteria: Invitae Variant Classification Sherloc (09022015). Collection method: clinical testing. Allele origin: germline.
Comment: This sequence change replaces glutamic acid, which is acidic and polar, with lysine, which is basic and polar, at codon 692 of the CLCN6 protein (p.Glu692Lys). This variant is not present in population databases (gnomAD no frequency). This variant has not been reported in the literature in individuals affected with CLCN6-related conditions. An algorithm developed to predict the effect of missense changes on protein structure and function (PolyPhen-2) suggests that this variant is likely to be tolerated. In summary, the available evidence is currently insufficient to determine the role of this variant in disease. Therefore, it has been classified as a Variant of Uncertain Significance.

NM_001286.5(CLCN6):c.2074G>A (p.Glu692Lys)

Gene: CLCN6 (chloride voltage-gated channel 6; plus strand). Cytogenetic location: 1p36.22.
Variant type: single nucleotide variant.
Coding change: c.2074G>A on transcript NM_001286.5 (MANE Select); coding-DNA position 2074, G replaced by A.
Protein change: p.Glu692Lys; replaces glutamic acid 692 with lysine.
Molecular consequence: missense variant. On other transcripts: non-coding transcript variant (1).
Genome position (GRCh38, 1-based): chr1:11,837,092, G>A. VCF-style: chr1-11837092-G-A. GRCh37 (hg19) VCF-style: chr1-11897149-G-A.
Other names: c.2008G>A, p.Glu670Lys (NM_001256959.2); short protein forms E692K, E670K.
Identifiers: ClinVar variation 3493325 (VCV003493325.3).